The following is an entry in ClinVar:

ClinVar aggregate classification (germline): Uncertain significance (1 of 4 stars; one submission).

Conditions:
Inborn genetic diseases. Identifiers: MedGen C0950123, MeSH D030342.

Submission:

Ambry Genetics
Classification: Uncertain significance for Inborn genetic diseases. Last evaluated: 2026-03-04. Review status: criteria provided, single submitter. Criteria: Ambry Variant Classification Scheme 2023. Collection method: clinical testing. Allele origin: germline.
Comment: The p.V1693D variant (also known as c.5078T>A), located in coding exon 34 of the ANKRD26 gene, results from a T to A substitution at nucleotide position 5078. The valine at codon 1693 is replaced by aspartic acid, an amino acid with highly dissimilar properties. This amino acid position is conserved. In addition, the in silico prediction for this alteration is inconclusive. Based on the available evidence, the clinical significance of this variant remains unclear.

NM_014915.3(ANKRD26):c.5078T>A (p.Val1693Asp)

Gene: ANKRD26 (ankyrin repeat domain 26; minus strand). Cytogenetic location: 10p12.1.
Variant type: single nucleotide variant.
Coding change: c.5078T>A on transcript NM_014915.3 (MANE Select); coding-DNA position 5078, T replaced by A.
Protein change: p.Val1693Asp; replaces valine 1693 with aspartic acid.
Molecular consequence: missense variant.
Genome position (GRCh38, 1-based): chr10:27,005,645, A>T on the plus strand (T>A on the coding strand, the complement: ANKRD26 is on the minus strand). VCF-style: chr10-27005645-A-T. GRCh37 (hg19) VCF-style: chr10-27294574-A-T.
Other names: c.5075T>A, p.Val1692Asp (NM_001256053.2); short protein forms V1692D, V1693D.
Identifiers: ClinVar variation 4826417 (VCV004826417.1).